The following is an entry in ClinVar:

NM_032119.4(ADGRV1):c.2657C>T (p.Pro886Leu)

Gene: ADGRV1 (adhesion G protein-coupled receptor V1; plus strand). Cytogenetic location: 5q14.3.
Variant type: single nucleotide variant.
Coding change: c.2657C>T on transcript NM_032119.4 (MANE Select); coding-DNA position 2657, C replaced by T.
Protein change: p.Pro886Leu; replaces proline 886 with leucine.
Molecular consequence: missense variant. On other transcripts: non-coding transcript variant (1).
Genome position (GRCh38, 1-based): chr5:90,643,906, C>T. VCF-style: chr5-90643906-C-T. GRCh37 (hg19) VCF-style: chr5-89939723-C-T.
Other names: short protein forms P886L.
Identifiers: ClinVar variation 3777378 (VCV003777378.1).

ClinVar aggregate classification (germline): Uncertain significance (1 of 4 stars; one submission).

Submission:

GeneDx
Classification: Uncertain significance. Last evaluated: 2024-10-08. Review status: criteria provided, single submitter. Criteria: GeneDx Variant Classification Process June 2021. Collection method: clinical testing. Allele origin: germline. Affected: yes.
Comment: Not observed at significant frequency in large population cohorts (gnomAD); In silico analysis supports that this missense variant has a deleterious effect on protein structure/function; Has not been previously published as pathogenic or benign to our knowledge